The following is an entry in ClinVar:

NM_176824.3(BBS7):c.964A>G (p.Ile322Val)

Gene: BBS7 (Bardet-Biedl syndrome 7; minus strand). Cytogenetic location: 4q27.
Variant type: single nucleotide variant.
Coding change: c.964A>G on transcript NM_176824.3 (MANE Select); coding-DNA position 964, A replaced by G.
Protein change: p.Ile322Val; replaces isoleucine 322 with valine.
Molecular consequence: missense variant.
Genome position (GRCh38, 1-based): chr4:121,847,477, T>C on the plus strand (A>G on the coding strand, the complement: BBS7 is on the minus strand). VCF-style: chr4-121847477-T-C. GRCh37 (hg19) VCF-style: chr4-122768632-T-C.
Other names: c.964A>G, p.Ile322Val (NM_018190.4); short protein forms I322V.
Identifiers: ClinVar variation 864644 (VCV000864644.5), dbSNP rs762359988, ClinGen allele CA3064352.

ClinVar aggregate classification (germline): Uncertain significance. Review status: criteria provided, multiple submitters, no conflicts (2 of 4 stars). 2 submissions from 2 submitters: Uncertain significance (2). Last evaluated 2024-04-05.

Conditions:
Bardet-Biedl syndrome 7 (BBS7). Identifiers: Orphanet 110, MedGen C1859565, MONDO:0014435, OMIM 615984.
Bardet-Biedl syndrome (BBS). Identifiers: Orphanet 110, MedGen C0752166, MONDO:0015229.

Allele frequency attached by ClinVar (database versions not stated): ExAC 0.00001; gnomAD 0.00001; gnomAD exomes 0.00001 and 0.00002; TOPMed 0.00002.
gnomAD v4.1: 5 of 1,613,528 alleles (0.00031%); highest among the groups gnomAD compares: South Asian, 0.0011%; no homozygotes.

Submissions (2):

Fulgent Genetics
Classification: Uncertain significance for Bardet-Biedl syndrome 7. Last evaluated: 2024-04-05. Review status: criteria provided, single submitter. Criteria: ACMG Guidelines, 2015. Collection method: clinical testing. Allele origin: germline.

Labcorp Genetics (formerly Invitae), Labcorp
Classification: Uncertain significance for Bardet-Biedl syndrome. Last evaluated: 2022-08-15. Review status: criteria provided, single submitter. Criteria: Invitae Variant Classification Sherloc (09022015). Collection method: clinical testing. Allele origin: germline.
Comment: This sequence change replaces isoleucine, which is neutral and non-polar, with valine, which is neutral and non-polar, at codon 322 of the BBS7 protein (p.Ile322Val). This variant is present in population databases (rs762359988, gnomAD 0.003%). This variant has not been reported in the literature in individuals affected with BBS7-related conditions. ClinVar contains an entry for this variant (Variation ID: 864644). Algorithms developed to predict the effect of missense changes on protein structure and function output the following: SIFT: "Tolerated"; PolyPhen-2: "Benign"; Align-GVGD: "Class C0". The valine amino acid residue is found in multiple mammalian species, which suggests that this missense change does not adversely affect protein function. In summary, the available evidence is currently insufficient to determine the role of this variant in disease. Therefore, it has been classified as a Variant of Uncertain Significance.